The following is an entry in ClinVar:

ClinVar aggregate classification (germline): Benign/Likely benign. Review status: criteria provided, multiple submitters, no conflicts (2 of 4 stars). 2 submissions from 2 submitters: Benign (1); Likely benign (1). Last evaluated 2025-04-30.

Conditions:
Tuberous sclerosis 2 (TSC2). Identifiers: Orphanet 805, MedGen C1860707, MONDO:0013199, OMIM 613254.

Submissions (2):

Myriad Genetics, Inc.
Classification: Benign for Tuberous sclerosis 2. Last evaluated: 2025-04-30. Review status: criteria provided, single submitter. Criteria: Myriad Autosomal Dominant, Autosomal Recessive and X-Linked Classification Criteria (2023). Collection method: clinical testing. Allele origin: unknown.
Comment: This variant is considered benign. This variant is a silent/synonymous amino acid change and it is not expected to impact splicing.

Labcorp Genetics (formerly Invitae), Labcorp
Classification: Likely benign for Tuberous sclerosis 2. Last evaluated: 2023-04-08. Review status: criteria provided, single submitter. Criteria: Invitae Variant Classification Sherloc (09022015). Collection method: clinical testing. Allele origin: germline.

NM_000548.5(TSC2):c.42G>A (p.Lys14=)

Gene: TSC2 (TSC complex subunit 2; plus strand). Cytogenetic location: 16p13.3.
Variant type: single nucleotide variant.
Coding change: c.42G>A on transcript NM_000548.5 (MANE Select); coding-DNA position 42, G replaced by A.
Protein change: p.Lys14=; no amino-acid change (lysine 14 retained).
Molecular consequence: synonymous variant. On other transcripts: 5 prime UTR variant (19), non-coding transcript variant (5), intron variant (6).
Genome position (GRCh38, 1-based): chr16:2,048,657, G>A. VCF-style: chr16-2048657-G-A. GRCh37 (hg19) VCF-style: chr16-2098658-G-A.
Other names: c.42G>A, p.Lys14= (NM_001077183.3, NM_001114382.3, NM_001318827.2 and 13 more transcripts); c.-185G>A (NM_001318831.2, NM_001406682.1, NM_001406684.1 and 2 more transcripts); c.75G>A, p.Lys25= (NM_001318832.2); c.-775G>A (NM_001406680.1, NM_001406683.1, NM_001406687.1); c.-404G>A (NM_001406681.1); c.-1390G>A (NM_001406689.1, NM_001406690.1, NM_001406691.1 and 2 more transcripts); c.-1696G>A (NM_001406693.1); c.-1271G>A (NM_001406694.1, NM_001406695.1); and 4 more.
Identifiers: ClinVar variation 2796246 (VCV002796246.4), dbSNP rs2548348958, ClinGen allele CA492954204.